The following is an entry in ClinVar:

NM_001352514.2(HLCS):c.1390G>T (p.Val464Leu)

Gene: HLCS (holocarboxylase synthetase; minus strand). Cytogenetic location: 21q22.13.
Variant type: single nucleotide variant.
Coding change: c.1390G>T on transcript NM_001352514.2 (MANE Select); coding-DNA position 1390, G replaced by T.
Protein change: p.Val464Leu; replaces valine 464 with leucine.
Molecular consequence: missense variant. On other transcripts: non-coding transcript variant (2).
Genome position (GRCh38, 1-based): chr21:36,936,496, C>A on the plus strand (G>T on the coding strand, the complement: HLCS is on the minus strand). VCF-style: chr21-36936496-C-A. GRCh37 (hg19) VCF-style: chr21-38308796-C-A.
Other names: c.949G>T, p.Val317Leu (NM_000411.8, NM_001242784.3, NM_001242785.2 and 4 more transcripts); short protein forms V317L, V464L.
Identifiers: ClinVar variation 418250 (VCV000418250.14), dbSNP rs144705277, ClinGen allele CA10020583.
Genomic context (GRCh38, chr21:36,936,496, plus strand): 5'-CTGCCCTGAGTACCTGGCAAAGAACAGCTTCTCCCCCGCGAGTTCCAAAAGGCACATGCA[C>A]AATCATCCTGTCCTTGTCCTCATTCTCCAGGTGGCCCTGGAGCCTGCCGGGGCTGAGCCG-3'
Protein context (NP_001339443.1, residues 454-474): LENEDKDRMI[Val464Leu]HVPFGTRGGE

ClinVar aggregate classification (germline): Conflicting classifications of pathogenicity. Review status: criteria provided, conflicting classifications (1 of 4 stars). 4 submissions from 4 submitters: Uncertain significance (2); Likely benign (2). Last evaluated 2026-01-31.

Conditions:
Inborn genetic diseases. Identifiers: MedGen C0950123, MeSH D030342.
Holocarboxylase synthetase deficiency. Also called: MULTIPLE CARBOXYLASE DEFICIENCY, EARLY ONSET. Identifiers: Orphanet 79242, MedGen C0268581, MONDO:0009666, OMIM 253270.

Allele frequency attached by ClinVar (database versions not stated): gnomAD exomes 0.00013; ExAC 0.00020; ESP Exome Variant Server 0.00038; gnomAD 0.00038 and 0.00043; TOPMed 0.00039; 1000 Genomes Project 30x 0.00078; 1000 Genomes Project 0.00080.
gnomAD v4.1: 112 of 1,614,244 alleles (0.0069%); highest among the groups gnomAD compares: African/African-American, 0.14%; no homozygotes.

Submissions (4):

Labcorp Genetics (formerly Invitae), Labcorp
Classification: Likely benign for Holocarboxylase synthetase deficiency. Last evaluated: 2026-01-31. Review status: criteria provided, single submitter. Criteria: Invitae Variant Classification Sherloc (09022015). Collection method: clinical testing. Allele origin: germline.

Ambry Genetics
Classification: Likely benign for Inborn genetic diseases. Last evaluated: 2022-01-07. Review status: criteria provided, single submitter. Criteria: Ambry Variant Classification Scheme 2023. Collection method: clinical testing. Allele origin: germline.

Revvity Omics, Revvity
Classification: Uncertain significance for Holocarboxylase synthetase deficiency. Last evaluated: 2021-08-19. Review status: criteria provided, single submitter. Criteria: ACMG Guidelines, 2015. Collection method: clinical testing. Allele origin: germline.

GeneDx
Classification: Uncertain significance. Last evaluated: 2017-02-27. Review status: criteria provided, single submitter. Criteria: GeneDx Variant Classification (06012015). Collection method: clinical testing. Allele origin: germline. Affected: yes.
Comment: The V317L variant has not been published as a pathogenic variant, nor has it been reported as a benign variant to our knowledge. The V317L variant is observed in 0.01%-1% alleles from individuals of African background, in large population cohorts (Lek et al., 2016; 1000 Genomes Consortium et al., 2015; Exome Variant Server). The V317L variant is a conservative amino acid substitution, which is not likely to impact secondary protein structure as these residues share similar properties. This substitution occurs at a position that is conserved across species. In silico analysis is inconsistent in its predictions as to whether or not the variant is damaging to the protein structure/function. In summary, based on the currently available information, it is unclear whether this variant is a pathogenic variant or a rare benign variant.